The following is an entry in ClinVar:

NM_002637.4(PHKA1):c.3621C>T (p.Ala1207=)

Gene: PHKA1 (phosphorylase kinase regulatory subunit alpha 1; minus strand). Cytogenetic location: Xq13.1.
Variant type: single nucleotide variant.
Coding change: c.3621C>T on transcript NM_002637.4 (MANE Select); coding-DNA position 3621, C replaced by T.
Protein change: p.Ala1207=; no amino-acid change (alanine 1207 retained).
Molecular consequence: synonymous variant.
Genome position (GRCh38, 1-based): chrX:72,581,053, G>A on the plus strand (C>T on the coding strand, the complement: PHKA1 is on the minus strand). VCF-style: chrX-72581053-G-A. GRCh37 (hg19) VCF-style: chrX-71800903-G-A.
Other names: c.3582C>T, p.Ala1194= (NM_001122670.2); c.3405C>T, p.Ala1135= (NM_001172436.2).
Identifiers: ClinVar variation 2063343 (VCV002063343.28), dbSNP rs375661884, ClinGen allele CA10450420.

ClinVar aggregate classification (germline): Likely benign. Review status: criteria provided, multiple submitters, no conflicts (2 of 4 stars). 2 submissions from 2 submitters: Likely benign (2). Last evaluated 2026-01-19.

Conditions:
Glycogen storage disease IXd (GSD9D). Also called: Muscle Phosphorylase Kinase Deficiency; GSD IXd. Identifiers: Orphanet 715, MedGen C1845151, MONDO:0010362, OMIM 300559.

Allele frequency attached by ClinVar (database versions not stated): ExAC 0.00003; TOPMed 0.00005; gnomAD exomes 0.00006; ESP Exome Variant Server 0.00009; gnomAD 0.00009.
gnomAD v4.1: 76 of 1,209,067 alleles (0.0063%); highest among the groups gnomAD compares: Non-Finnish European, 0.0078%; no homozygotes.

Submissions (2):

Labcorp Genetics (formerly Invitae), Labcorp
Classification: Likely benign for Glycogen storage disease IXd. Last evaluated: 2026-01-19. Review status: criteria provided, single submitter. Criteria: Invitae Variant Classification Sherloc (09022015). Collection method: clinical testing. Allele origin: germline.

CeGaT Center for Human Genetics Tuebingen
Classification: Likely benign. Last evaluated: 2023-08-01. Review status: criteria provided, single submitter. Criteria: CeGaT Center For Human Genetics Tuebingen Variant Classification Criteria Version 2. Collection method: clinical testing. Allele origin: germline. Affected: yes. Observed: 1 variant allele.
Comment: PHKA1: BP4, BP7, BS2